The following is an entry in ClinVar:

ClinVar aggregate classification (germline): Uncertain significance (1 of 4 stars; one submission).

Submission:

Ambry Genetics
Classification: Uncertain significance. Last evaluated: 2023-06-15. Review status: criteria provided, single submitter. Criteria: Ambry Variant Classification Scheme 2023. Collection method: clinical testing. Allele origin: germline.
Comment: The p.N102I variant (also known as c.305A>T), located in coding exon 1 of the EGLN1 gene, results from an A to T substitution at nucleotide position 305. The asparagine at codon 102 is replaced by isoleucine, an amino acid with dissimilar properties. This amino acid position is conserved. In addition, this alteration is predicted to be tolerated by in silico analysis. Since supporting evidence is limited at this time, the clinical significance of this alteration remains unclear.

NM_022051.3(EGLN1):c.305A>T (p.Asn102Ile)

Gene: EGLN1 (egl-9 family hypoxia inducible factor 1; minus strand). Cytogenetic location: 1q42.2.
Variant type: single nucleotide variant.
Coding change: c.305A>T on transcript NM_022051.3 (MANE Select); coding-DNA position 305, A replaced by T.
Protein change: p.Asn102Ile; replaces asparagine 102 with isoleucine.
Molecular consequence: missense variant.
Genome position (GRCh38, 1-based): chr1:231,421,584, T>A on the plus strand (A>T on the coding strand, the complement: EGLN1 is on the minus strand). VCF-style: chr1-231421584-T-A. GRCh37 (hg19) VCF-style: chr1-231557330-T-A.
Other names: c.305A>T, p.Asn102Ile (NM_001377260.1, NM_001377261.1); short protein forms N102I.
Identifiers: ClinVar variation 2626696 (VCV002626696.2), dbSNP rs904319713, ClinGen allele CA345237812.